The following is an entry in ClinVar:

NM_013254.4(TBK1):c.944C>T (p.Ser315Leu)

Gene: TBK1 (TANK binding kinase 1; plus strand). Cytogenetic location: 12q14.2.
Variant type: single nucleotide variant.
Coding change: c.944C>T on transcript NM_013254.4 (MANE Select); coding-DNA position 944, C replaced by T.
Protein change: p.Ser315Leu; replaces serine 315 with leucine.
Molecular consequence: missense variant.
Genome position (GRCh38, 1-based): chr12:64,481,973, C>T. VCF-style: chr12-64481973-C-T. GRCh37 (hg19) VCF-style: chr12-64875753-C-T.
Other names: short protein forms S315L.
Identifiers: ClinVar variation 4806862 (VCV004806862.1).

ClinVar aggregate classification (germline): Uncertain significance (1 of 4 stars; one submission).

Conditions:
Frontotemporal dementia and/or amyotrophic lateral sclerosis 4. Also called: FTDALS4. Identifiers: Orphanet 275872, MedGen C4225325, MONDO:0014641, OMIM 616439.

gnomAD v4.1: 9 of 1,606,284 alleles (0.00056%); highest among the groups gnomAD compares: South Asian, 0.0011%; no homozygotes.

Submission:

Labcorp Genetics (formerly Invitae), Labcorp
Classification: Uncertain significance for Frontotemporal dementia and/or amyotrophic lateral sclerosis 4. Last evaluated: 2025-05-18. Review status: criteria provided, single submitter. Criteria: Invitae Variant Classification Sherloc (09022015). Collection method: clinical testing. Allele origin: germline.
Comment: This sequence change replaces serine, which is neutral and polar, with leucine, which is neutral and non-polar, at codon 315 of the TBK1 protein (p.Ser315Leu). The frequency data for this variant in the population databases is considered unreliable, as metrics indicate poor data quality at this position in the gnomAD database. This variant has not been reported in the literature in individuals affected with TBK1-related conditions. Invitae Evidence Modeling of protein sequence and biophysical properties (such as structural, functional, and spatial information, amino acid conservation, physicochemical variation, residue mobility, and thermodynamic stability) indicates that this missense variant is not expected to disrupt TBK1 protein function with a negative predictive value of 95%. In summary, the available evidence is currently insufficient to determine the role of this variant in disease. Therefore, it has been classified as a Variant of Uncertain Significance.